The following is an entry in ClinVar:

ClinVar aggregate classification (germline): Uncertain significance (1 of 4 stars; one submission).

Submission:

CeGaT Center for Human Genetics Tuebingen
Classification: Uncertain significance. Last evaluated: 2026-09-01. Review status: criteria provided, single submitter. Criteria: CeGaT Center For Human Genetics Tuebingen Variant Classification Criteria Version 2. Collection method: clinical testing. Allele origin: germline. Affected: yes. Observed: 2 variant alleles.
Comment: BRWD3: PM2

NM_153252.5(BRWD3):c.4642C>G (p.Pro1548Ala)

Gene: BRWD3 (bromodomain and WD repeat domain containing 3; minus strand). Cytogenetic location: Xq21.1.
Variant type: single nucleotide variant.
Coding change: c.4642C>G on transcript NM_153252.5 (MANE Select); coding-DNA position 4642, C replaced by G.
Protein change: p.Pro1548Ala; replaces proline 1548 with alanine.
Molecular consequence: missense variant.
Genome position (GRCh38, 1-based): chrX:80,681,353, G>C on the plus strand (C>G on the coding strand, the complement: BRWD3 is on the minus strand). VCF-style: chrX-80681353-G-C. GRCh37 (hg19) VCF-style: chrX-79936852-G-C.
Other names: short protein forms P1548A.
Identifiers: ClinVar variation 2660981 (VCV002660981.24), dbSNP rs868670775, ClinGen allele CA413607197.